The following is an entry in ClinVar:

NM_182961.4(SYNE1):c.7284A>C (p.Ala2428=)

Gene: SYNE1 (spectrin repeat containing nuclear envelope protein 1; minus strand). Cytogenetic location: 6q25.2.
Variant type: single nucleotide variant.
Coding change: c.7284A>C on transcript NM_182961.4 (MANE Select); coding-DNA position 7284, A replaced by C.
Protein change: p.Ala2428=; no amino-acid change (alanine 2428 retained).
Molecular consequence: synonymous variant.
Genome position (GRCh38, 1-based): chr6:152,398,685, T>G on the plus strand (A>C on the coding strand, the complement: SYNE1 is on the minus strand). VCF-style: chr6-152398685-T-G. GRCh37 (hg19) VCF-style: chr6-152719820-T-G.
Other names: c.7305A>C, p.Ala2435= (NM_033071.5); c.7284A>C (NM_182961.2).
Identifiers: ClinVar variation 285640 (VCV000285640.10), dbSNP rs886043162, ClinGen allele CA10605188.
Genomic context (GRCh38, chr6:152,398,685, plus strand): 5'-ATCATGGAGCTTTGCTTCTAGAACTTTGCTGTCACCGGTGCGATCTGATGATTCTTTTGC[T>G]GCTGCCTTTGCTCCCAAAAACCATTCTTGGAATTCCTGCATAGACTCTTTTGAAAGAAAA-3'
Protein context (NP_892006.3, residues 2418-2438): FQEWFLGAKA[Ala2428=]AKESSDRTGD

ClinVar aggregate classification (germline): Conflicting classifications of pathogenicity. Review status: criteria provided, conflicting classifications (1 of 4 stars). 3 submissions from 3 submitters: Uncertain significance (1); Likely benign (2). Last evaluated 2025-06-03.

Conditions:
Autosomal recessive ataxia, Beauce type. Also called: Spinocerebellar ataxia, autosomal recessive 8; ATAXIA, RECESSIVE, OF BEAUCE; SYNE1 Deficiency; SYNE1-Related Autosomal Recessive Cerebellar Ataxia. Identifiers: Orphanet 88644, MedGen C1853116, MONDO:0012549, OMIM 610743.
Emery-Dreifuss muscular dystrophy 4, autosomal dominant (EDMD4). Also called: EMERY-DREIFUSS MUSCULAR DYSTROPHY 4 WITH VARIABLE FEATURES. Identifiers: Orphanet 261, MedGen C2751807, MONDO:0013071, OMIM 612998.

Allele frequency attached by ClinVar (database versions not stated): TOPMed 0.00001.
gnomAD v4.1: 1 of 1,614,060 alleles (0.000062%); no homozygotes.

Submissions (3):

Athena Diagnostics
Classification: Likely benign. Last evaluated: 2025-06-03. Review status: criteria provided, single submitter. Criteria: Athena Diagnostics Criteria. Collection method: clinical testing. Allele origin: unknown.
Comment: Computational tools yielded predictions that this variant is unlikely to have an effect on normal RNA splicing. This nucleotide position exhibits low evolutionary conservation.

Labcorp Genetics (formerly Invitae), Labcorp
Classification: Likely benign for Emery-Dreifuss muscular dystrophy 4, autosomal dominant; Spinocerebellar ataxia, autosomal recessive 8. Last evaluated: 2019-12-31. Review status: criteria provided, single submitter. Criteria: Invitae Variant Classification Sherloc (09022015). Collection method: clinical testing. Allele origin: germline.

Eurofins Ntd Llc (ga)
Classification: Uncertain significance. Last evaluated: 2016-01-26. Review status: criteria provided, single submitter. Criteria: EGL Classification Definitions 2015. Collection method: clinical testing. Allele origin: germline. Observed: 1 variant allele, 1 heterozygote.